The following is an entry in ClinVar:

ClinVar aggregate classification (germline): Uncertain significance. Review status: criteria provided, multiple submitters, no conflicts (2 of 4 stars). 2 submissions from 2 submitters: Uncertain significance (2). Last evaluated 2025-11-05.

Allele frequency attached by ClinVar (database versions not stated): TOPMed 0.00003; ExAC 0.00001; gnomAD 0.00002.
gnomAD v4.1: 110 of 1,613,948 alleles (0.0068%); highest among the groups gnomAD compares: Non-Finnish European, 0.0092%; no homozygotes.

Submissions (2):

Ambry Genetics
Classification: Uncertain significance. Last evaluated: 2025-11-05. Review status: criteria provided, single submitter. Criteria: Ambry Variant Classification Scheme 2023. Collection method: clinical testing. Allele origin: germline.

Labcorp Genetics (formerly Invitae), Labcorp
Classification: Uncertain significance. Last evaluated: 2025-03-18. Review status: criteria provided, single submitter. Criteria: Invitae Variant Classification Sherloc (09022015). Collection method: clinical testing. Allele origin: germline.
Comment: This sequence change replaces leucine, which is neutral and non-polar, with valine, which is neutral and non-polar, at codon 71 of the ROR1 protein (p.Leu71Val). This variant is present in population databases (rs778558577, gnomAD 0.007%). This variant has not been reported in the literature in individuals affected with ROR1-related conditions. ClinVar contains an entry for this variant (Variation ID: 2722209). Invitae Evidence Modeling of protein sequence and biophysical properties (such as structural, functional, and spatial information, amino acid conservation, physicochemical variation, residue mobility, and thermodynamic stability) indicates that this missense variant is not expected to disrupt ROR1 protein function with a negative predictive value of 80%. In summary, the available evidence is currently insufficient to determine the role of this variant in disease. Therefore, it has been classified as a Variant of Uncertain Significance.

NM_005012.4(ROR1):c.211C>G (p.Leu71Val)

Gene: ROR1 (receptor tyrosine kinase like orphan receptor 1; plus strand). Cytogenetic location: 1p31.3.
Variant type: single nucleotide variant.
Coding change: c.211C>G on transcript NM_005012.4 (MANE Select); coding-DNA position 211, C replaced by G.
Protein change: p.Leu71Val; replaces leucine 71 with valine.
Molecular consequence: missense variant.
Genome position (GRCh38, 1-based): chr1:64,049,738, C>G. VCF-style: chr1-64049738-C-G. GRCh37 (hg19) VCF-style: chr1-64515410-C-G.
Other names: c.211C>G, p.Leu71Val (NM_001083592.2); c.211C>G (NM_005012.2); short protein forms L71V.
Identifiers: ClinVar variation 2722209 (VCV002722209.4), dbSNP rs778558577, ClinGen allele CA890021.